The following is an entry in ClinVar:

NM_001429.4(EP300):c.7121C>T (p.Ser2374Phe)

Gene: EP300 (EP300 lysine acetyltransferase; plus strand). Cytogenetic location: 22q13.2.
Variant type: single nucleotide variant.
Coding change: c.7121C>T on transcript NM_001429.4 (MANE Select); coding-DNA position 7121, C replaced by T.
Protein change: p.Ser2374Phe; replaces serine 2374 with phenylalanine.
Molecular consequence: missense variant.
Genome position (GRCh38, 1-based): chr22:41,178,832, C>T. VCF-style: chr22-41178832-C-T. GRCh37 (hg19) VCF-style: chr22-41574836-C-T.
Other names: c.7043C>T, p.Ser2348Phe (NM_001362843.2); short protein forms S2348F, S2374F.
Identifiers: ClinVar variation 3001536 (VCV003001536.3), dbSNP rs2145524137, ClinGen allele CA411684481.

ClinVar aggregate classification (germline): Uncertain significance (1 of 4 stars; one submission).

Conditions:
Rubinstein-Taybi syndrome due to EP300 haploinsufficiency. Also called: EP300-Related Rubinstein-Taybi Syndrome; RUBINSTEIN-TAYBI SYNDROME 2. Identifiers: Orphanet 353284, Orphanet 783, MedGen C3150941, MONDO:0013364, OMIM 613684.

Allele frequency attached by ClinVar (database versions not stated): gnomAD exomes 0.00001.
gnomAD v4.1: 11 of 1,614,220 alleles (0.00068%); highest among the groups gnomAD compares: Non-Finnish European, 0.00076%; no homozygotes.

Submission:

Labcorp Genetics (formerly Invitae), Labcorp
Classification: Uncertain significance for Rubinstein-Taybi syndrome due to EP300 haploinsufficiency. Last evaluated: 2023-10-17. Review status: criteria provided, single submitter. Criteria: Invitae Variant Classification Sherloc (09022015). Collection method: clinical testing. Allele origin: germline.
Comment: This sequence change replaces serine, which is neutral and polar, with phenylalanine, which is neutral and non-polar, at codon 2374 of the EP300 protein (p.Ser2374Phe). This variant is not present in population databases (gnomAD no frequency). This variant has not been reported in the literature in individuals affected with EP300-related conditions. Advanced modeling of protein sequence and biophysical properties (such as structural, functional, and spatial information, amino acid conservation, physicochemical variation, residue mobility, and thermodynamic stability) performed at Invitae indicates that this missense variant is not expected to disrupt EP300 protein function. In summary, the available evidence is currently insufficient to determine the role of this variant in disease. Therefore, it has been classified as a Variant of Uncertain Significance.